The following is an entry in ClinVar:

NM_000368.5(TSC1):c.704C>T (p.Thr235Ile)

Gene: TSC1 (TSC complex subunit 1; minus strand). Cytogenetic location: 9q34.13.
Variant type: single nucleotide variant.
Coding change: c.704C>T on transcript NM_000368.5 (MANE Select); coding-DNA position 704, C replaced by T.
Protein change: p.Thr235Ile; replaces threonine 235 with isoleucine.
Molecular consequence: missense variant. On other transcripts: 5 prime UTR variant (1), non-coding transcript variant (5), intron variant (4).
Genome position (GRCh38, 1-based): chr9:132,921,396, G>A on the plus strand (C>T on the coding strand, the complement: TSC1 is on the minus strand). VCF-style: chr9-132921396-G-A. GRCh37 (hg19) VCF-style: chr9-135796783-G-A.
Other names: c.704C>T, p.Thr235Ile (NM_001162426.2, NM_001406592.1, NM_001406593.1 and 16 more transcripts); c.551C>T, p.Thr184Ile (NM_001162427.2, NM_001406610.1, NM_001406611.1 and 2 more transcripts); c.341C>T, p.Thr114Ile (NM_001362177.2, NM_001406623.1, NM_001406624.1 and 10 more transcripts); c.-390C>T (NM_001406630.1); c.-215+423C>T (NM_001406627.1, NM_001406628.1, NM_001406626.1); c.-357+423C>T (NM_001406629.1); short protein forms T184I, T235I, T114I.
Identifiers: ClinVar variation 2877875 (VCV002877875.4), dbSNP rs2132135600, ClinGen allele CA375371343.

ClinVar aggregate classification (germline): Uncertain significance. Review status: criteria provided, multiple submitters, no conflicts (2 of 4 stars). 2 submissions from 2 submitters: Uncertain significance (2). Last evaluated 2026-07-07.

Conditions:
Tuberous sclerosis 1 (TSC1). Identifiers: Orphanet 805, MedGen C1854465, MONDO:0008612, OMIM 191100.
Hereditary cancer-predisposing syndrome. Also called: Hereditary Cancer Syndrome; Hereditary neoplastic syndrome; Neoplastic Syndromes, Hereditary; Tumor predisposition. Identifiers: Orphanet 140162, MedGen C0027672, MeSH D009386, MONDO:0015356.

Allele frequency attached by ClinVar (database versions not stated): gnomAD exomes below 0.00001.
gnomAD v4.1: 2 of 1,614,138 alleles (0.00012%); highest among the groups gnomAD compares: African/African-American, 0.0013%; no homozygotes.

Submissions (2):

Ambry Genetics
Classification: Uncertain significance for Hereditary cancer-predisposing syndrome. Last evaluated: 2026-07-07. Review status: criteria provided, single submitter. Criteria: Ambry Variant Classification Scheme 2023. Collection method: clinical testing. Allele origin: germline.
Comment: The p.T235I variant (also known as c.704C>T), located in coding exon 6 of the TSC1 gene, results from a C to T substitution at nucleotide position 704. The threonine at codon 235 is replaced by isoleucine, an amino acid with similar properties. This amino acid position is conserved. In addition, this alteration is predicted to be deleterious by in silico analysis. Based on the available evidence, the clinical significance of this variant remains unclear.

Labcorp Genetics (formerly Invitae), Labcorp
Classification: Uncertain significance for Tuberous sclerosis 1. Last evaluated: 2025-04-26. Review status: criteria provided, single submitter. Criteria: Invitae Variant Classification Sherloc (09022015). Collection method: clinical testing. Allele origin: germline.
Comment: This sequence change replaces threonine, which is neutral and polar, with isoleucine, which is neutral and non-polar, at codon 235 of the TSC1 protein (p.Thr235Ile). This variant is not present in population databases (gnomAD no frequency). This variant has not been reported in the literature in individuals affected with TSC1-related conditions. ClinVar contains an entry for this variant (Variation ID: 2877875). Invitae Evidence Modeling of protein sequence and biophysical properties (such as structural, functional, and spatial information, amino acid conservation, physicochemical variation, residue mobility, and thermodynamic stability) indicates that this missense variant is not expected to disrupt TSC1 protein function with a negative predictive value of 95%. In summary, the available evidence is currently insufficient to determine the role of this variant in disease. Therefore, it has been classified as a Variant of Uncertain Significance.